The following is an entry in ClinVar:

NM_001044.5(SLC6A3):c.1089C>T (p.Val363=)

Gene: SLC6A3 (solute carrier family 6 member 3). Cytogenetic location: 5p15.33.
Variant type: single nucleotide variant.
Coding change: c.1089C>T on transcript NM_001044.5 (MANE Select); coding-DNA position 1089, C replaced by T.
Protein change: p.Val363=; no amino-acid change (valine 363 retained).
Molecular consequence: synonymous variant.
Genome position (GRCh38, 1-based): chr5:1,414,758, G>A on the plus strand (C>T on the coding strand, the complement: SLC6A3 is on the minus strand). VCF-style: chr5-1414758-G-A. GRCh37 (hg19) VCF-style: chr5-1414873-G-A.
Identifiers: ClinVar variation 695920 (VCV000695920.19), dbSNP rs114461544, ClinGen allele CA3186160.

ClinVar aggregate classification (germline): Likely benign. Review status: criteria provided, multiple submitters, no conflicts (2 of 4 stars). 3 submissions from 3 submitters: Likely benign (3). Last evaluated 2025-09-02.

Conditions:
Parkinsonism-dystonia, infantile. Identifiers: Orphanet 238455, MedGen C2751067, MONDO:0013150.

Allele frequency attached by ClinVar (database versions not stated): 1000 Genomes Project 30x 0.00016; ExAC 0.00016; gnomAD exomes 0.00016; 1000 Genomes Project 0.00020; TOPMed 0.00022; gnomAD 0.00024 and 0.00025; ESP Exome Variant Server 0.00031.
gnomAD v4.1: 396 of 1,612,894 alleles (0.025%); highest among the groups gnomAD compares: Non-Finnish European, 0.028%; no homozygotes.

Submissions (3):

Labcorp Genetics (formerly Invitae), Labcorp
Classification: Likely benign for Parkinsonism-dystonia, infantile. Last evaluated: 2025-09-02. Review status: criteria provided, single submitter. Criteria: Invitae Variant Classification Sherloc (09022015). Collection method: clinical testing. Allele origin: germline.

CeGaT Center for Human Genetics Tuebingen
Classification: Likely benign. Last evaluated: 2025-02-01. Review status: criteria provided, single submitter. Criteria: CeGaT Center For Human Genetics Tuebingen Variant Classification Criteria Version 2. Collection method: clinical testing. Allele origin: germline. Affected: yes. Observed: 1 variant allele.
Comment: SLC6A3: BP4, BP7

Blueprint Genetics
Classification: Likely benign. Last evaluated: 2024-10-17. Review status: criteria provided, single submitter. Criteria: ACMG Guidelines, 2015. Collection method: clinical testing. Allele origin: germline.